The following is an entry in ClinVar:

ClinVar aggregate classification (germline): Likely pathogenic. Review status: criteria provided, multiple submitters, no conflicts (2 of 4 stars). 4 submissions from 4 submitters: Likely pathogenic (2). 2 of the submissions do not count toward it. Last evaluated 2026-01-26.

Conditions:
Abdominal obesity-metabolic syndrome 4 (AOMS4). Identifiers: MedGen C5231430, MONDO:0032837, OMIM 618620.
Coronary artery disorder. Also called: Disorder of coronary artery; Coronary artery disease. Identifiers: MedGen C1956346, MeSH D003324, MONDO:0005010.
Hypertensive disorder. Also called: Hypertension. Identifiers: MedGen C0020538, MONDO:0005044, HP:0000822.
Diabetes. Identifiers: MedGen C1320657.
Hypertriglyceridemia. Also called: Hypertriglyceridaemia. Identifiers: MedGen C0813230, MONDO:0005347, HP:0002155.

Allele frequency attached by ClinVar (database versions not stated): gnomAD 0.00001; TOPMed 0.00002.
gnomAD v4.1: 45 of 1,613,960 alleles (0.0028%); highest among the groups gnomAD compares: Non-Finnish European, 0.0035%; no homozygotes.

Submissions (4):

Women's Health and Genetics/Laboratory Corporation of America, LabCorp
Classification: Likely pathogenic for Abdominal obesity-metabolic syndrome 4. Last evaluated: 2026-01-26. Review status: criteria provided, single submitter. Criteria: LabCorp Variant Classification Summary - May 2015. Collection method: clinical testing. Allele origin: germline.
Comment: Variant summary: CELA2A c.253C>A (p.Leu85Met) results in a conservative amino acid change in the encoded protein sequence. Algorithms developed to predict the effect of missense changes on protein structure and function are either unavailable or do not agree on the potential impact of this missense change. The variant allele was found at a frequency of 2.4e-05 in 251300 control chromosomes. c.253C>A has been observed in individual(s) affected with CELA2A-related disorder, early onset (Esteghamat_2019). At least one publication reports experimental evidence evaluating an impact on protein function. The most pronounced variant effect results in <10% of normal activity (Esteghamat_2019). The following publication have been ascertained in the context of this evaluation (PMID: 31358993). ClinVar contains an entry for this variant (Variation ID: 633593). Based on the evidence outlined above, the variant was classified as likely pathogenic.

3billion
Classification: Likely pathogenic for Abdominal obesity-metabolic syndrome 4. Last evaluated: 2025-02-18. Review status: criteria provided, single submitter. Criteria: ACMG Guidelines, 2015. Collection method: clinical testing. Allele origin: germline. Affected: yes.
Comment: The variant is observed at an extremely low frequency in the gnomAD v4.1.0 dataset (total allele frequency: 0.003%). Predicted Consequence/Location: Missense variant Functional studies provide moderate evidence of the variant having a damaging effect on the gene or gene product (PMID: 31358993). In silico tool predictions suggest no damaging effect of the variant on gene or gene product [REVEL: 0.40 (<0.4); 3Cnet: 0.08 (<0.15, specificity 0.78 and negative predictive value 0.92)]. The same nucleotide change resulting in the same amino acid change has been previously reported to be associated with CELA2A-related disorder (ClinVar ID: VCV000633593 /PMID: 31358993). The variant has been reported to co-segregate with the disease in at least 5 similarly affected relatives/individuals in the same family or similarly affected unrelated families (PMID: 31358993). Therefore, this variant is classified as Likely pathogenic according to the recommendation of ACMG/AMP guideline.

OMIM
Classification: Pathogenic for ABDOMINAL OBESITY-METABOLIC SYNDROME 4. Last evaluated: 2019-10-10. Review status: no assertion criteria provided. Collection method: literature only. Allele origin: germline. Not counted in ClinVar's aggregate classification.

Mani Lab, Yale Cardiovascular Research Center, Yale University
Classification: Pathogenic for Coronary artery disease; Diabetes; Hypertriglyceridemia; Hypertension. Last evaluated: 2017-01-01. Review status: no assertion criteria provided. Collection method: research. Allele origin: germline. Inheritance: Autosomal dominant inheritance. Affected: yes. Not counted in ClinVar's aggregate classification.

Literature cited by the submitters: PubMed 31358993 (cited by 4 submitters).

NM_033440.3(CELA2A):c.253C>A (p.Leu85Met)

Gene: CELA2A (chymotrypsin like elastase 2A; plus strand). Cytogenetic location: 1p36.21.
Variant type: single nucleotide variant.
Coding change: c.253C>A on transcript NM_033440.3 (MANE Select); coding-DNA position 253, C replaced by A.
Protein change: p.Leu85Met; replaces leucine 85 with methionine.
Molecular consequence: missense variant.
Genome position (GRCh38, 1-based): chr1:15,462,758, C>A. VCF-style: chr1-15462758-C-A. GRCh37 (hg19) VCF-style: chr1-15789253-C-A.
Other names: short protein forms L85M.
Identifiers: ClinVar variation 633593 (VCV000633593.4), dbSNP rs558493952, ClinGen allele CA613676.